The following is an entry in ClinVar:

ClinVar aggregate classification (germline): Pathogenic/Likely pathogenic. Review status: criteria provided, multiple submitters, no conflicts (2 of 4 stars). 2 submissions from 2 submitters: Pathogenic (1); Likely pathogenic (1). Last evaluated 2021-08-23.

Conditions:
KCNQ1-related disorder. Also called: KCNQ1-related disorders; KCNQ1-related condition. Identifiers: MedGen CN239322.

gnomAD v4.1: 1 of 1,612,490 alleles (0.000062%); highest among the groups gnomAD compares: Non-Finnish European, 0.000085%; no homozygotes.

Submissions (2):

Blueprint Genetics
Classification: Likely pathogenic for KCNQ1-related disorders. Last evaluated: 2021-08-23. Review status: criteria provided, single submitter. Criteria: ACMG Guidelines, 2015. Collection method: clinical testing. Allele origin: germline. Affected: yes. Observed: 1 variant allele.

GeneDx
Classification: Pathogenic. Last evaluated: 2011-11-28. Review status: criteria provided, single submitter. Criteria: GeneDx Variant Classification (06012015). Collection method: clinical testing. Allele origin: germline. Affected: yes.
Comment: This missense change is denoted Gly186Val (aka G186V) at the protein level and c.557 G>T at the cDNA level. Although the Gly186Val mutation in the KCNQ1 gene has not been reported previously as a disease-causing mutation, two different missense mutations at the same position (Gly186Arg, Gly186Ser) have been reported in association with LQTS. In addition, mutations in nearby codons (Tyr184His, Tyr184Ser, Leu187Pro) have also been reported in association with LQTS, further supporting the functional importance of this region of the protein. Gly186Val results in a conservative substitution of one non-polar amino acid for another at a residue that is highly conserved across species. In silico analysis predicts Gly186Val is probably damaging to the protein structure/function (Adzhubei IA et al.,2010, Kumar P et al., 2009, and Schwarz JM et al., 2010). The variant is found in LQT panel(s).

NM_000218.3(KCNQ1):c.557G>T (p.Gly186Val)

Gene: KCNQ1 (potassium voltage-gated channel subfamily Q member 1; plus strand). Cytogenetic location: 11p15.5.
Variant type: single nucleotide variant.
Coding change: c.557G>T on transcript NM_000218.3 (MANE Select); coding-DNA position 557, G replaced by T.
Protein change: p.Gly186Val; replaces glycine 186 with valine.
Molecular consequence: missense variant.
Genome position (GRCh38, 1-based): chr11:2,570,707, G>T. VCF-style: chr11-2570707-G-T. GRCh37 (hg19) VCF-style: chr11-2591937-G-T.
Other names: p.G186V:GGC>GTC; c.557G>T, p.Gly186Val (NM_001406836.1); c.287G>T, p.Gly96Val (NM_001406837.1); c.176G>T, p.Gly59Val (NM_181798.2); short protein forms G186V, G59V, G96V.
Identifiers: ClinVar variation 200894 (VCV000200894.5), dbSNP rs794728568, ClinGen allele CA007449.
Genomic context (GRCh38, chr11:2,570,707, plus strand): 5'-TCTTCGGGACGGAGTACGTGGTCCGCCTCTGGTCCGCCGGCTGCCGCAGCAAGTACGTGG[G>T]CCTCTGGGGGCGGCTGCGCTTTGCCCGGAAGCCCATTTCCATCATCGGTGAGTCATGCCT-3'
Protein context (NP_000209.2, residues 176-196): WSAGCRSKYV[Gly186Val]LWGRLRFARK